The following is an entry in ClinVar:

ClinVar aggregate classification (germline): Uncertain significance (1 of 4 stars; one submission).

Conditions:
Vici syndrome (VICIS). Identifiers: Orphanet 1493, MedGen C1855772, MONDO:0009452, OMIM 242840.

Allele frequency attached by ClinVar (database versions not stated): gnomAD 0.00002; TOPMed 0.00004; ESP Exome Variant Server 0.00008.
gnomAD v4.1: 30 of 1,613,904 alleles (0.0019%); highest among the groups gnomAD compares: East Asian, 0.013%; no homozygotes.

Submission:

Labcorp Genetics (formerly Invitae), Labcorp
Classification: Uncertain significance for Vici syndrome. Last evaluated: 2022-08-19. Review status: criteria provided, single submitter. Criteria: Invitae Variant Classification Sherloc (09022015). Collection method: clinical testing. Allele origin: germline.
Comment: This sequence change replaces threonine, which is neutral and polar, with methionine, which is neutral and non-polar, at codon 551 of the EPG5 protein (p.Thr551Met). This variant is present in population databases (rs368530443, gnomAD 0.02%). This variant has not been reported in the literature in individuals affected with EPG5-related conditions. Algorithms developed to predict the effect of missense changes on protein structure and function are either unavailable or do not agree on the potential impact of this missense change (SIFT: "Tolerated"; PolyPhen-2: "Probably Damaging"; Align-GVGD: "Class C0"). In summary, the available evidence is currently insufficient to determine the role of this variant in disease. Therefore, it has been classified as a Variant of Uncertain Significance.

NM_020964.3(EPG5):c.1652C>T (p.Thr551Met)

Gene: EPG5 (ectopic P-granules 5 autophagy tethering factor; minus strand). Cytogenetic location: 18q21.1.
Variant type: single nucleotide variant.
Coding change: c.1652C>T on transcript NM_020964.3 (MANE Select); coding-DNA position 1652, C replaced by T.
Protein change: p.Thr551Met; replaces threonine 551 with methionine.
Molecular consequence: missense variant.
Genome position (GRCh38, 1-based): chr18:45,946,688, G>A on the plus strand (C>T on the coding strand, the complement: EPG5 is on the minus strand). VCF-style: chr18-45946688-G-A. GRCh37 (hg19) VCF-style: chr18-43526654-G-A.
Other names: c.1652C>T, p.Thr551Met (NM_001410858.1, NM_001410859.1); short protein forms T551M.
Identifiers: ClinVar variation 2162610 (VCV002162610.1), dbSNP rs368530443, ClinGen allele CA299786452.
Genomic context (GRCh38, chr18:45,946,688, plus strand): 5'-TGATTCATCAAAATAATGCAGATATGACAAGTTACCTCTTCTCCTCCTTCGTCTACTAGC[G>A]TCCAAGTCCCAGACCCAGGCCCTGAGGAGGATGGCTTCCGCTCGCTGGGCTTCATGTGGC-3'
Protein context (NP_066015.2, residues 541-561): SSSGPGSGTW[Thr551Met]LVDEGGEEDE